The following is an entry in ClinVar:

ClinVar aggregate classification (germline): Pathogenic (0 of 4 stars; one submission).

Conditions:
Chromosome 17p13.3 duplication syndrome. Also called: Chromosome 17p13.3, centromeric, duplication syndrome. Identifiers: Orphanet 217385, MedGen C3808300, MONDO:0013182, OMIM 613215.

Submission:

Laboratory of Human Genetics, Universidade de São Paulo
Classification: Pathogenic for Chromosome 17p13.3 duplication syndrome. Last evaluated: 2020-05-22. Review status: no assertion criteria provided. Collection method: research. Allele origin: maternal. Inheritance: Autosomal dominant inheritance. Affected: yes. Observed: 2 variant alleles, 2 heterozygotes.
Comment: Pathogenicity assessment according to Am J Hum Genet. 2010 May 14;86(5):749-64. doi: 10.1016/j.ajhg.2010.04.006.

GRCh38/hg38 17p13.3(chr17:1113701-1844036)x3

Genes: CRK-AS1 (CRK antisense RNA 1; plus strand), RILP (Rab interacting lysosomal protein; minus strand), RPA1 (replication protein A1; plus strand), SCARF1 (scavenger receptor class F member 1; minus strand), SERPINF1 (serpin family F member 1; plus strand) and 51 more. Cytogenetic location: 17p13.3.
Variant type: copy number gain.
Change: copy number 3 (three copies instead of two) of chr17:1,113,701-1,844,036 (730.3 kb, GRCh38 coordinates, 1-based), cytogenetic band 17p13.3.
Identifiers: ClinVar variation 932228 (VCV000932228.2).